The following is an entry in ClinVar:

NM_001111.5(ADAR):c.597C>G (p.Val199=)

Gene: ADAR (adenosine deaminase RNA specific; minus strand). Cytogenetic location: 1q21.3.
Variant type: single nucleotide variant.
Coding change: c.597C>G on transcript NM_001111.5 (MANE Select); coding-DNA position 597, C replaced by G.
Protein change: p.Val199=; no amino-acid change (valine 199 retained).
Molecular consequence: synonymous variant. On other transcripts: 5 prime UTR variant (6).
Genome position (GRCh38, 1-based): chr1:154,602,045, G>C on the plus strand (C>G on the coding strand, the complement: ADAR is on the minus strand). VCF-style: chr1-154602045-G-C. GRCh37 (hg19) VCF-style: chr1-154574521-G-C.
Other names: c.597C>G (NM_001111.4); c.-289C>G (NM_001025107.3, NM_001193495.2, NM_001365046.1 and 3 more transcripts); c.624C>G, p.Val208= (NM_001365045.1); c.597C>G, p.Val199= (NM_015840.4, NM_015841.4).
Identifiers: ClinVar variation 2195259 (VCV002195259.6), dbSNP rs1697915919, ClinGen allele CA421225402.
Genomic context (GRCh38, chr1:154,602,045, plus strand): 5'-TCCTTGGCTATGACCGTCTGGTCTTACCACTCCGCTGTGCTGGTTCCAAGCCTGAGTGGA[G>C]ACCGCGATTTTCCACAAAGGGGGTGTTCCTGCCTCTTTCTGTAGCTTGCCCTTCTTTGCC-3'
Protein context (NP_001102.3, residues 189-209): AGTPPLWKIA[Val199=]STQAWNQHSG

ClinVar aggregate classification (germline): Likely benign. Review status: criteria provided, single submitter (1 of 4 stars). 2 submissions from 2 submitters: Likely benign (1). 1 of the submissions does not count toward it. Last evaluated 2024-03-27.

Conditions:
Aicardi-Goutieres syndrome 6 (AGS6). Identifiers: Orphanet 51, MedGen C3539013, MONDO:0014007, OMIM 615010.
Symmetrical dyschromatosis of extremities (DSH). Also called: Dyschromatosis symmetrica hereditaria; RETICULATE ACROPIGMENTATION OF DOHI; SYMMETRIC DYSCHROMATOSIS OF THE EXTREMITIES; DYSCHROMATOSIS SYMMETRICA HEREDITARIA 1. Identifiers: Orphanet 41, MedGen C0406775, MONDO:0007483, OMIM 127400.
ADAR-related disorder. Also called: ADAR-related disorders; ADAR-related condition.

Allele frequency attached by ClinVar (database versions not stated): gnomAD exomes below 0.00001; TOPMed below 0.00001.
gnomAD v4.1: 1 of 1,614,242 alleles (0.000062%); highest among the groups gnomAD compares: African/African-American, 0.0013%; no homozygotes.

Submissions (2):

Labcorp Genetics (formerly Invitae), Labcorp
Classification: Likely benign for Aicardi-Goutieres syndrome 6; Symmetrical dyschromatosis of extremities. Last evaluated: 2024-03-27. Review status: criteria provided, single submitter. Criteria: Invitae Variant Classification Sherloc (09022015). Collection method: clinical testing. Allele origin: germline.

PreventionGenetics, part of Exact Sciences
Classification: Likely benign for ADAR-related condition. Last evaluated: 2019-03-19. Review status: no assertion criteria provided. Collection method: clinical testing. Allele origin: germline. Not counted in ClinVar's aggregate classification.
Comment: This variant is classified as likely benign based on ACMG/AMP sequence variant interpretation guidelines (Richards et al. 2015 PMID: 25741868, with internal and published modifications).